The following is an entry in ClinVar:

NM_001384140.1(PCDH15):c.736dup (p.Thr246fs)

Gene: PCDH15 (protocadherin related 15; minus strand). Cytogenetic location: 10q21.1.
Variant type: Duplication.
Coding change: c.736dup on transcript NM_001384140.1 (MANE Select); coding-DNA position 736, one base duplicated (A; older notation c.736dupA).
Protein change: p.Thr246fs; shifts the reading frame from threonine 246.
Molecular consequence: frameshift variant.
Genome position (GRCh38, 1-based): chr10:54,317,411, T duplicated on the plus strand (A on the coding strand, the reverse complement: PCDH15 is on the minus strand); the first of 2 consecutive T bases (chr10:54,317,411-54,317,412); duplicating either gives the same sequence. VCF-style (leftmost placement, unchanged base first): chr10-54317410-G-GT. GRCh37 (hg19) VCF-style: chr10-56077170-G-GT.
Other names: c.751dup, p.Thr251fs (NM_001142763.2, NM_001142771.2); c.736dup, p.Thr246fs (NM_001142764.2, NM_001142765.2, NM_001142766.2 and 7 more transcripts); c.625dup, p.Thr209fs (NM_001142767.2); c.670dup, p.Thr224fs (NM_001142768.2, NM_001142773.2, NM_001354404.2); c.750dup, p.Thr251Asnfs (NM_001142769.4); short protein forms T209fs, T224fs, T246fs, T251fs.
Identifiers: ClinVar variation 5012230 (VCV005012230.1).
Genomic context (GRCh38, chr10:54,317,410, plus strand): 5'-AGAAACATTGGACCCAAGTCATCTCCATCCAGAACATCCACTGTGAGAGTGGTGGTGGTG[G>GT]TTCGCCTCTCATTCAGATTTTGGGCACGGTCCTGTTAGGGAGAAAAACAAACAACAGGTA-3'

ClinVar aggregate classification (germline): Pathogenic (1 of 4 stars; one submission).

Conditions:
Usher syndrome type 1F (USH1F). Also called: USHER SYNDROME, TYPE IF. Identifiers: Orphanet 231169, Orphanet 886, MedGen C1865885, MONDO:0011186, OMIM 602083.

Submission:

Myriad Genetics, Inc.
Classification: Pathogenic for Usher syndrome type 1F. Last evaluated: 2023-09-27. Review status: criteria provided, single submitter. Criteria: Myriad Autosomal Dominant, Autosomal Recessive and X-Linked Classification Criteria (2023). Collection method: clinical testing. Allele origin: unknown.
Comment: NM_033056.3(PCDH15):c.736dupA(T246Nfs*15) is expected to be pathogenic in the context of PCDH15-related disorders. This variant is predicted to lead to an abnormal or absent protein product due to the creation of a premature termination codon in PCDH15, a gene where loss-of-function variants are known to be pathogenic. Please note: this variant was assessed in the context of healthy population screening.